The following is an entry in ClinVar:

NM_004937.3(CTNS):c.990C>T (p.Phe330=)

Gene: CTNS (cystinosin, lysosomal cystine transporter; plus strand). Cytogenetic location: 17p13.2.
Variant type: single nucleotide variant.
Coding change: c.990C>T on transcript NM_004937.3 (MANE Select); coding-DNA position 990, C replaced by T.
Protein change: p.Phe330=; no amino-acid change (phenylalanine 330 retained).
Molecular consequence: synonymous variant.
Genome position (GRCh38, 1-based): chr17:3,660,255, C>T. VCF-style: chr17-3660255-C-T. GRCh37 (hg19) VCF-style: chr17-3563549-C-T.
Other names: c.990C>T, p.Phe330= (NM_001031681.3, NM_001374492.1); c.549C>T, p.Phe183= (NM_001374493.1, NM_001374494.1, NM_001374495.1 and 1 more transcripts).
Identifiers: ClinVar variation 1096027 (VCV001096027.28), dbSNP rs544777200, ClinGen allele CA8292003.

ClinVar aggregate classification (germline): Likely benign. Review status: criteria provided, multiple submitters, no conflicts (2 of 4 stars). 2 submissions from 2 submitters: Likely benign (2). Last evaluated 2026-01-13.

Conditions:
Inborn genetic diseases. Identifiers: MedGen C0950123, MeSH D030342.
Ocular cystinosis. Also called: Non-Nephropathic (Ocular) Cystinosis; Non-Nephropathic Cystinosis. Identifiers: Orphanet 213, Orphanet 411641, MedGen C2931013, MONDO:0009064, OMIM 219750.
Juvenile nephropathic cystinosis. Also called: CYSTINOSIS, LATE-ONSET JUVENILE OR ADOLESCENT NEPHROPATHIC TYPE; Later-Onset (Juvenile) Cystinosis; Intermediate Cystinosis. Identifiers: Orphanet 213, Orphanet 411634, MedGen C0268626, MONDO:0009066, OMIM 219900.

Allele frequency attached by ClinVar (database versions not stated): gnomAD 0.00001 and 0.00003; gnomAD exomes 0.00002 and 0.00009; TOPMed 0.00002; ExAC 0.00012; 1000 Genomes Project 30x 0.00031; 1000 Genomes Project 0.00040.
gnomAD v4.1: 44 of 1,614,248 alleles (0.0027%); highest among the groups gnomAD compares: South Asian, 0.027%; no homozygotes.

Submissions (2):

Labcorp Genetics (formerly Invitae), Labcorp
Classification: Likely benign for Inborn genetic diseases; Ocular cystinosis; Juvenile nephropathic cystinosis. Last evaluated: 2026-01-13. Review status: criteria provided, single submitter. Criteria: Invitae Variant Classification Sherloc (09022015). Collection method: clinical testing. Allele origin: germline.

CeGaT Center for Human Genetics Tuebingen
Classification: Likely benign. Last evaluated: 2024-07-01. Review status: criteria provided, single submitter. Criteria: CeGaT Center For Human Genetics Tuebingen Variant Classification Criteria Version 2. Collection method: clinical testing. Allele origin: germline. Affected: yes. Observed: 1 variant allele.
Comment: CTNS: BP4, BP7